The following is an entry in ClinVar:

NM_001430.5(EPAS1):c.1649G>A (p.Arg550Gln)

Gene: EPAS1 (endothelial PAS domain protein 1; plus strand). Cytogenetic location: 2p21.
Variant type: single nucleotide variant.
Coding change: c.1649G>A on transcript NM_001430.5 (MANE Select); coding-DNA position 1649, G replaced by A.
Protein change: p.Arg550Gln; replaces arginine 550 with glutamine.
Molecular consequence: missense variant.
Genome position (GRCh38, 1-based): chr2:46,380,321, G>A. VCF-style: chr2-46380321-G-A. GRCh37 (hg19) VCF-style: chr2-46607460-G-A.
Other names: short protein forms R550Q.
Identifiers: ClinVar variation 3714115 (VCV003714115.2).

ClinVar aggregate classification (germline): Uncertain significance (1 of 4 stars; one submission).

gnomAD v4.1: 79 of 1,613,920 alleles (0.0049%); highest among the groups gnomAD compares: South Asian, 0.053%; 1 homozygote.

Submission:

Labcorp Genetics (formerly Invitae), Labcorp
Classification: Uncertain significance. Last evaluated: 2024-08-11. Review status: criteria provided, single submitter. Criteria: Invitae Variant Classification Sherloc (09022015). Collection method: clinical testing. Allele origin: germline.
Comment: This sequence change replaces arginine, which is basic and polar, with glutamine, which is neutral and polar, at codon 550 of the EPAS1 protein (p.Arg550Gln). This variant is present in population databases (rs772885274, gnomAD 0.05%), and has an allele count higher than expected for a pathogenic variant. This missense change has been observed in individual(s) with congenital erythrocytosis (PMID: 31132167). An algorithm developed to predict the effect of missense changes on protein structure and function outputs the following: PolyPhen-2: "Benign". The glutamine amino acid residue is found in multiple mammalian species, which suggests that this missense change does not adversely affect protein function. In summary, the available evidence is currently insufficient to determine the role of this variant in disease. Therefore, it has been classified as a Variant of Uncertain Significance.

Literature cited by the submitters: PubMed 31132167.